The following is an entry in ClinVar:

NM_015474.4(SAMHD1):c.766C>T (p.Gln256Ter)

Gene: SAMHD1 (SAM and HD domain containing deoxynucleoside triphosphate triphosphohydrolase 1; minus strand). Cytogenetic location: 20q11.23.
Variant type: single nucleotide variant.
Coding change: c.766C>T on transcript NM_015474.4 (MANE Select); coding-DNA position 766, C replaced by T.
Protein change: p.Gln256Ter; replaces glutamine 256 with a stop codon.
Molecular consequence: nonsense.
Genome position (GRCh38, 1-based): chr20:36,919,450, G>A on the plus strand (C>T on the coding strand, the complement: SAMHD1 is on the minus strand). VCF-style: chr20-36919450-G-A. GRCh37 (hg19) VCF-style: chr20-35547853-G-A.
Other names: c.766C>T, p.Gln256Ter (NM_001363729.2, NM_001363733.2); short protein forms Q256*.
Identifiers: ClinVar variation 2754230 (VCV002754230.3), dbSNP rs775651203, ClinGen allele CA408846431.

ClinVar aggregate classification (germline): Pathogenic (1 of 4 stars; one submission).

Conditions:
Aicardi-Goutieres syndrome 5. Identifiers: Orphanet 51, MedGen C2749659, MONDO:0013059, OMIM 612952.

Submission:

Labcorp Genetics (formerly Invitae), Labcorp
Classification: Pathogenic for Aicardi-Goutieres syndrome 5. Last evaluated: 2024-01-24. Review status: criteria provided, single submitter. Criteria: Invitae Variant Classification Sherloc (09022015). Collection method: clinical testing. Allele origin: germline.
Comment: This sequence change creates a premature translational stop signal (p.Gln256*) in the SAMHD1 gene. It is expected to result in an absent or disrupted protein product. Loss-of-function variants in SAMHD1 are known to be pathogenic (PMID: 19525956, 22461318). This variant is not present in population databases (gnomAD no frequency). This variant has not been reported in the literature in individuals affected with SAMHD1-related conditions. For these reasons, this variant has been classified as Pathogenic.

Literature cited by the submitters: PubMed 19525956; PubMed 22461318.